The following is an entry in ClinVar:

NM_000836.4(GRIN2D):c.3888G>C (p.Arg1296Ser)

Gene: GRIN2D (glutamate ionotropic receptor NMDA type subunit 2D; plus strand). Cytogenetic location: 19q13.33.
Variant type: single nucleotide variant.
Coding change: c.3888G>C on transcript NM_000836.4 (MANE Select); coding-DNA position 3888, G replaced by C.
Protein change: p.Arg1296Ser; replaces arginine 1296 with serine.
Molecular consequence: missense variant.
Genome position (GRCh38, 1-based): chr19:48,443,814, G>C. VCF-style: chr19-48443814-G-C. GRCh37 (hg19) VCF-style: chr19-48947071-G-C.
Other names: short protein forms R1296S.
Identifiers: ClinVar variation 1029955 (VCV001029955.8), dbSNP rs375048004, ClinGen allele CA309299601.
Genomic context (GRCh38, chr19:48,443,814, plus strand): 5'-CTCGTGCCCTCGCGCCGCCCCTGCGCGCAGGCTTACCGGGCCCTCCCGCCACGCTCGCAG[G>C]TGTCCGCACGCCGCGCACTGGGGGCCGCCGCTGCCCACAGCTTCCCACCGGAGACACCGG-3'
Protein context (NP_000827.2, residues 1286-1306): RLTGPSRHAR[Arg1296Ser]CPHAAHWGPP

ClinVar aggregate classification (germline): Uncertain significance. Review status: criteria provided, multiple submitters, no conflicts (2 of 4 stars). 3 submissions from 3 submitters: Uncertain significance (3). Last evaluated 2024-01-11.

Conditions:
Developmental and epileptic encephalopathy, 46 (DEE46). Also called: Epileptic encephalopathy, early infantile, 46; GRIN2D-Related Developmental and Epileptic Encephalopathy. Identifiers: MedGen C4310687, MONDO:0014947, OMIM 617162.
Inborn genetic diseases. Identifiers: MedGen C0950123, MeSH D030342.

Allele frequency attached by ClinVar (database versions not stated): gnomAD 0.00005 and 0.00006; TOPMed 0.00007.
gnomAD v4.1: 9 of 1,480,090 alleles (0.00061%); highest among the groups gnomAD compares: African/African-American, 0.013%; no homozygotes.

Submissions (3):

Labcorp Genetics (formerly Invitae), Labcorp
Classification: Uncertain significance. Last evaluated: 2024-01-11. Review status: criteria provided, single submitter. Criteria: Invitae Variant Classification Sherloc (09022015). Collection method: clinical testing. Allele origin: germline.
Comment: This sequence change replaces arginine, which is basic and polar, with serine, which is neutral and polar, at codon 1296 of the GRIN2D protein (p.Arg1296Ser). This variant is present in population databases (rs375048004, gnomAD 0.03%). This variant has not been reported in the literature in individuals affected with GRIN2D-related conditions. ClinVar contains an entry for this variant (Variation ID: 1029955). Advanced modeling of protein sequence and biophysical properties (such as structural, functional, and spatial information, amino acid conservation, physicochemical variation, residue mobility, and thermodynamic stability) performed at Invitae indicates that this missense variant is not expected to disrupt GRIN2D protein function with a negative predictive value of 95%. In summary, the available evidence is currently insufficient to determine the role of this variant in disease. Therefore, it has been classified as a Variant of Uncertain Significance.

Ambry Genetics
Classification: Uncertain significance for Inborn genetic diseases. Last evaluated: 2021-08-12. Review status: criteria provided, single submitter. Criteria: Ambry Variant Classification Scheme 2023. Collection method: clinical testing. Allele origin: germline.

Baylor Genetics
Classification: Uncertain significance for Developmental and epileptic encephalopathy, 46. Last evaluated: 2019-01-02. Review status: criteria provided, single submitter. Criteria: ACMG Guidelines, 2015. Collection method: clinical testing. Allele origin: maternal. Affected: yes.
Comment: This variant was determined to be of uncertain significance according to ACMG Guidelines, 2015 [PMID:25741868].